The following is an entry in ClinVar:

ClinVar aggregate classification (germline): Uncertain significance. Review status: criteria provided, multiple submitters, no conflicts (2 of 4 stars). 2 submissions from 2 submitters: Uncertain significance (2). Last evaluated 2024-10-15.

Conditions:
Joubert syndrome 20 (JBTS20). Identifiers: Orphanet 475, MedGen C3554235, MONDO:0013994, OMIM 614970.
Meckel syndrome, type 11 (MKS11). Identifiers: Orphanet 564, MedGen C3809352, MONDO:0014164, OMIM 615397.

Allele frequency attached by ClinVar (database versions not stated): gnomAD exomes 0.00003.

Submissions (2):

Labcorp Genetics (formerly Invitae), Labcorp
Classification: Uncertain significance for Joubert syndrome 20; Meckel syndrome, type 11. Last evaluated: 2024-10-15. Review status: criteria provided, single submitter. Criteria: Invitae Variant Classification Sherloc (09022015). Collection method: clinical testing. Allele origin: germline.
Comment: This sequence change replaces arginine, which is basic and polar, with glutamine, which is neutral and polar, at codon 197 of the TMEM231 protein (p.Arg197Gln). This variant is present in population databases (no rsID available, gnomAD 0.01%). This variant has not been reported in the literature in individuals affected with TMEM231-related conditions. ClinVar contains an entry for this variant (Variation ID: 1520521). An algorithm developed to predict the effect of missense changes on protein structure and function outputs the following: PolyPhen-2: "Not Available". The glutamine amino acid residue is found in multiple mammalian species, which suggests that this missense change does not adversely affect protein function. In summary, the available evidence is currently insufficient to determine the role of this variant in disease. Therefore, it has been classified as a Variant of Uncertain Significance.

Fulgent Genetics
Classification: Uncertain significance for Joubert syndrome 20; Meckel syndrome, type 11. Last evaluated: 2024-02-13. Review status: criteria provided, single submitter. Criteria: ACMG Guidelines, 2015. Collection method: clinical testing. Allele origin: germline.

NM_001077418.3(TMEM231):c.431G>A (p.Arg144Gln)

Gene: TMEM231 (transmembrane protein 231; minus strand). Cytogenetic location: 16q23.1.
Variant type: single nucleotide variant.
Coding change: c.431G>A on transcript NM_001077418.3 (MANE Select); coding-DNA position 431, G replaced by A.
Protein change: p.Arg144Gln; replaces arginine 144 with glutamine.
Molecular consequence: missense variant. On other transcripts: non-coding transcript variant (1).
Genome position (GRCh38, 1-based): chr16:75,545,833, C>T on the plus strand (G>A on the coding strand, the complement: TMEM231 is on the minus strand). VCF-style: chr16-75545833-C-T. GRCh37 (hg19) VCF-style: chr16-75579731-C-T.
Other names: c.590G>A, p.Arg197Gln (NM_001077416.2); short protein forms R144Q, R197Q.
Identifiers: ClinVar variation 1520521 (VCV001520521.8), dbSNP rs1033608835, ClinGen allele CA283887543.